The following is an entry in ClinVar:

NM_000238.4(KCNH2):c.3416C>A (p.Pro1139Gln)

Gene: KCNH2 (potassium voltage-gated channel subfamily H member 2; minus strand). Cytogenetic location: 7q36.1.
Variant type: single nucleotide variant.
Coding change: c.3416C>A on transcript NM_000238.4 (MANE Select); coding-DNA position 3416, C replaced by A.
Protein change: p.Pro1139Gln; replaces proline 1139 with glutamine.
Molecular consequence: missense variant. On other transcripts: non-coding transcript variant (2).
Genome position (GRCh38, 1-based): chr7:150,945,429, G>T on the plus strand (C>A on the coding strand, the complement: KCNH2 is on the minus strand). VCF-style: chr7-150945429-G-T. GRCh37 (hg19) VCF-style: chr7-150642517-G-T.
Other names: c.3128C>A, p.Pro1043Gln (NM_001406753.1); c.2396C>A, p.Pro799Gln (NM_172057.3); short protein forms P1043Q, P1139Q, P799Q.
Identifiers: ClinVar variation 4738067 (VCV004738067.1).
Genomic context (GRCh38, chr7:150,945,429, plus strand): 5'-CTGCCCGGGTCCGAGCCGTGTCTGTGCAGGGGCTGGGAGGTGAGGGCCCCCAGCTGGCCC[G>T]GTAGGGAGAGGCGTCGTGTGGGGCCTTCTTGGGGAAGCTCTGGGGCCCCCGGGGGCAGCT-3'
Protein context (NP_000229.1, residues 1129-1149): QEGPTRRLSL[Pro1139Gln]GQLGALTSQP

ClinVar aggregate classification (germline): Uncertain significance (1 of 4 stars; one submission).

Conditions:
Long QT syndrome (LQTS). Identifiers: MedGen C0023976, MeSH D008133, MONDO:0002442. Disease mechanism: loss of function. Inheritance: Various modes of inheritance.

Submission:

Labcorp Genetics (formerly Invitae), Labcorp
Classification: Uncertain significance for Long QT syndrome. Last evaluated: 2025-12-02. Review status: criteria provided, single submitter. Criteria: Invitae Variant Classification Sherloc (09022015). Collection method: clinical testing. Allele origin: germline.
Comment: This sequence change replaces proline, which is neutral and non-polar, with glutamine, which is neutral and polar, at codon 1139 of the KCNH2 protein (p.Pro1139Gln). This variant is not present in population databases (gnomAD no frequency). This variant has not been reported in the literature in individuals affected with KCNH2-related conditions. An algorithm developed to predict the effect of missense changes on protein structure and function (PolyPhen-2) suggests that this variant is likely to be disruptive. In summary, the available evidence is currently insufficient to determine the role of this variant in disease. Therefore, it has been classified as a Variant of Uncertain Significance.